The following is an entry in ClinVar:

NM_001281775.3(ZMYND8):c.1350G>A (p.Pro450=)

Gene: ZMYND8 (zinc finger MYND-type containing 8; minus strand). Cytogenetic location: 20q13.12.
Variant type: single nucleotide variant.
Coding change: c.1350G>A on transcript NM_001281775.3 (MANE Select); coding-DNA position 1350, G replaced by A.
Protein change: p.Pro450=; no amino-acid change (proline 450 retained).
Molecular consequence: synonymous variant.
Genome position (GRCh38, 1-based): chr20:47,276,444, C>T on the plus strand (G>A on the coding strand, the complement: ZMYND8 is on the minus strand). VCF-style: chr20-47276444-C-T. GRCh37 (hg19) VCF-style: chr20-45905188-C-T.
Other names: c.1275G>A, p.Pro425= (NM_001281771.3, NM_001281777.3, NM_001281778.3 and 4 more transcripts); c.1290G>A, p.Pro430= (NM_001281772.3, NM_001281773.3, NM_001281774.3 and 1 more transcripts); c.1350G>A, p.Pro450= (NM_001281776.3, NM_001281783.3, NM_012408.6 and 1 more transcripts); c.546G>A, p.Pro182= (NM_001281779.3, NM_001281780.3); c.1371G>A, p.Pro457= (NM_001363714.1).
Identifiers: ClinVar variation 3777953 (VCV003777953.7).

ClinVar aggregate classification (germline): Benign (1 of 4 stars; one submission).

gnomAD v4.1: 1,560 of 1,614,142 alleles (0.097%); highest among the groups gnomAD compares: South Asian, 1.3%; 31 homozygotes.

Submission:

CeGaT Center for Human Genetics Tuebingen
Classification: Benign. Last evaluated: 2025-03-01. Review status: criteria provided, single submitter. Criteria: CeGaT Center For Human Genetics Tuebingen Variant Classification Criteria Version 2. Collection method: clinical testing. Allele origin: germline. Affected: yes. Observed: 1 variant allele.
Comment: ZMYND8: BP4, BP7, BS1, BS2